The following is an entry in ClinVar:

ClinVar aggregate classification (germline): Pathogenic. Review status: criteria provided, multiple submitters, no conflicts (2 of 4 stars). 3 submissions from 3 submitters: Pathogenic (2). 1 of the submissions does not count toward it. Last evaluated 2022-10-30.

Conditions:
PRPF31-related disorder. Also called: PRPF31-related condition.
Retinitis pigmentosa (RP). Identifiers: Orphanet 791, MedGen C0035334, MeSH D012174, MONDO:0019200, OMIM 268000. Inheritance: Autosomal dominant, autosomal recessive and X linked inheritance.

gnomAD v4.1: 1 of 1,613,924 alleles (0.000062%); highest among the groups gnomAD compares: Non-Finnish European, 0.000085%; no homozygotes.

Submissions (3):

Labcorp Genetics (formerly Invitae), Labcorp
Classification: Pathogenic. Last evaluated: 2022-10-30. Review status: criteria provided, single submitter. Criteria: Invitae Variant Classification Sherloc (09022015). Collection method: clinical testing. Allele origin: germline.
Comment: For these reasons, this variant has been classified as Pathogenic. ClinVar contains an entry for this variant (Variation ID: 143149). This premature translational stop signal has been observed in individual(s) with PRPF31-related conditions (PMID: 25324289). This variant is not present in population databases (gnomAD no frequency). This sequence change creates a premature translational stop signal (p.Tyr205*) in the PRPF31 gene. It is expected to result in an absent or disrupted protein product. Loss-of-function variants in PRPF31 are known to be pathogenic (PMID: 18317597, 23950152).

Blueprint Genetics
Classification: Pathogenic for PRPF31-related disorders. Last evaluated: 2019-10-28. Review status: criteria provided, single submitter. Criteria: ACMG Guidelines, 2015. Collection method: clinical testing. Allele origin: germline. Affected: yes. Observed: 3 variant alleles.

Department of Ophthalmology and Visual Sciences Kyoto University
Classification: Likely pathogenic for Retinitis pigmentosa. Review status: no assertion criteria provided. Collection method: not provided. Allele origin: unknown. Not counted in ClinVar's aggregate classification.
ClinVar note: Converted during submission from probable-pathogenic to Likely pathogenic.

Literature cited by the submitters: PubMed 25324289 (cited by Labcorp Genetics (formerly Invitae), Labcorp); PubMed 18317597 (cited by Labcorp Genetics (formerly Invitae), Labcorp); PubMed 23950152 (cited by Labcorp Genetics (formerly Invitae), Labcorp).

NM_015629.4(PRPF31):c.615C>G (p.Tyr205Ter)

Gene: PRPF31 (pre-mRNA processing factor 31; plus strand). Cytogenetic location: 19q13.42.
Variant type: single nucleotide variant.
Coding change: c.615C>G on transcript NM_015629.4 (MANE Select); coding-DNA position 615, C replaced by G.
Protein change: p.Tyr205Ter; replaces tyrosine 205 with a stop codon.
Molecular consequence: nonsense.
Genome position (GRCh38, 1-based): chr19:54,123,836, C>G. VCF-style: chr19-54123836-C-G. GRCh37 (hg19) VCF-style: chr19-54627215-C-G.
Other names: short protein forms Y205*.
Identifiers: ClinVar variation 143149 (VCV000143149.8), dbSNP rs144738703, ClinGen allele CA270116.